The following is an entry in ClinVar:

ClinVar aggregate classification (germline): Uncertain significance. Review status: criteria provided, multiple submitters, no conflicts (2 of 4 stars). 5 submissions from 5 submitters: Uncertain significance (5). Last evaluated 2025-10-09.

Conditions:
Hereditary cancer-predisposing syndrome. Also called: Hereditary neoplastic syndrome; Tumor predisposition; Hereditary Cancer Syndrome; Neoplastic Syndromes, Hereditary. Identifiers: Orphanet 140162, MedGen C0027672, MeSH D009386, MONDO:0015356.
Familial cancer of breast. Also called: hereditary breast carcinoma; Hereditary breast cancer; BREAST CANCER, FAMILIAL. Identifiers: Orphanet 227535, MedGen C0346153, MONDO:0016419, OMIM 114480. Disease mechanism: loss of function.

Allele frequency attached by ClinVar (database versions not stated): gnomAD 0.00001.
gnomAD v4.1: 6 of 1,613,950 alleles (0.00037%); highest among the groups gnomAD compares: Non-Finnish European, 0.00051%; no homozygotes.

Submissions (5):

Labcorp Genetics (formerly Invitae), Labcorp
Classification: Uncertain significance for Familial cancer of breast. Last evaluated: 2025-10-09. Review status: criteria provided, single submitter. Criteria: Invitae Variant Classification Sherloc (09022015). Collection method: clinical testing. Allele origin: germline.
Comment: This sequence change replaces serine, which is neutral and polar, with isoleucine, which is neutral and non-polar, at codon 586 of the BARD1 protein (p.Ser586Ile). This variant is present in population databases (no rsID available, gnomAD 0.003%). This missense change has been observed in individual(s) with Colorectal Cancer (PMID: 28135145). ClinVar contains an entry for this variant (Variation ID: 220476). An algorithm developed to predict the effect of missense changes on protein structure and function (PolyPhen-2) suggests that this variant is likely to be disruptive. In summary, the available evidence is currently insufficient to determine the role of this variant in disease. Therefore, it has been classified as a Variant of Uncertain Significance.

Ambry Genetics
Classification: Uncertain significance for Hereditary cancer-predisposing syndrome. Last evaluated: 2025-01-15. Review status: criteria provided, single submitter. Criteria: Ambry Variant Classification Scheme 2023. Collection method: clinical testing. Allele origin: germline.
Comment: The p.S586I variant (also known as c.1757G>T), located in coding exon 8 of the BARD1 gene, results from a G to T substitution at nucleotide position 1757. The serine at codon 586 is replaced by isoleucine, an amino acid with dissimilar properties. In one study, this alteration was observed in 0/3236 cases with invasive epithelial ovarian cancer and 1/3431 controls (Ramus SJ et al. J. Natl. Cancer Inst., 2015 Nov;107). This amino acid position is not well conserved in available vertebrate species. In addition, this alteration is predicted to be tolerated by in silico analysis. Based on the available evidence, the clinical significance of this variant remains unclear.

Baylor Genetics
Classification: Uncertain significance for Familial cancer of breast. Last evaluated: 2023-09-13. Review status: criteria provided, single submitter. Criteria: ACMG Guidelines, 2015. Collection method: clinical testing. Allele origin: unknown.

GeneDx
Classification: Uncertain significance. Last evaluated: 2022-07-28. Review status: criteria provided, single submitter. Criteria: GeneDx Variant Classification Process June 2021. Collection method: clinical testing. Allele origin: germline. Affected: yes.
Comment: Not observed at significant frequency in large population cohorts (gnomAD); In silico analysis supports that this missense variant has a deleterious effect on protein structure/function; This variant is associated with the following publications: (PMID: 28135145, 17550235, 26315354)

Institute for Clinical Genetics, University Hospital TU Dresden, University Hospital TU Dresden
Classification: Uncertain significance. Last evaluated: 2021-06-08. Review status: criteria provided, single submitter. Criteria: ACMG Guidelines, 2015. Collection method: clinical testing. Allele origin: germline.
Comment: PM1, BP5

Literature cited by the submitters: PubMed 28135145 (cited by Labcorp Genetics (formerly Invitae), Labcorp and Ambry Genetics); PubMed 26315354 (cited by Ambry Genetics).

NM_000465.4(BARD1):c.1757G>T (p.Ser586Ile)

Gene: BARD1 (BRCA1 associated RING domain 1; minus strand). Cytogenetic location: 2q35.
Variant type: single nucleotide variant.
Coding change: c.1757G>T on transcript NM_000465.4 (MANE Select); coding-DNA position 1757, G replaced by T.
Protein change: p.Ser586Ile; replaces serine 586 with isoleucine.
Molecular consequence: missense variant. On other transcripts: non-coding transcript variant (3), intron variant (1).
Genome position (GRCh38, 1-based): chr2:214,745,775, C>A on the plus strand (G>T on the coding strand, the complement: BARD1 is on the minus strand). VCF-style: chr2-214745775-C-A. GRCh37 (hg19) VCF-style: chr2-215610499-C-A.
Other names: c.1700G>T, p.Ser567Ile (NM_001282543.2); c.404G>T, p.Ser135Ile (NM_001282545.2); c.347G>T, p.Ser116Ile (NM_001282548.2); c.365-15267G>T (NM_001282549.2); short protein forms S586I, S116I, S567I, S135I.
Identifiers: ClinVar variation 220476 (VCV000220476.18), dbSNP rs369756202, ClinGen allele CA348839.